The following is an entry in ClinVar:

ClinVar aggregate classification (germline): Uncertain significance (1 of 4 stars; one submission).

gnomAD v4.1: 3 of 1,599,950 alleles (0.00019%); highest among the groups gnomAD compares: Admixed American, 0.0017%; no homozygotes.

Submission:

CeGaT Center for Human Genetics Tuebingen
Classification: Uncertain significance. Last evaluated: 2025-08-01. Review status: criteria provided, single submitter. Criteria: CeGaT Center For Human Genetics Tuebingen Variant Classification Criteria Version 2. Collection method: clinical testing. Allele origin: germline. Affected: yes. Observed: 1 variant allele.
Comment: RFX3: PM2, PP2

NM_001282116.2(RFX3):c.1361C>T (p.Ala454Val)

Gene: RFX3 (regulatory factor X3; minus strand). Cytogenetic location: 9p24.2.
Variant type: single nucleotide variant.
Coding change: c.1361C>T on transcript NM_001282116.2 (MANE Select); coding-DNA position 1361, C replaced by T.
Protein change: p.Ala454Val; replaces alanine 454 with valine.
Molecular consequence: missense variant.
Genome position (GRCh38, 1-based): chr9:3,266,302, G>A on the plus strand (C>T on the coding strand, the complement: RFX3 is on the minus strand). VCF-style: chr9-3266302-G-A. GRCh37 (hg19) VCF-style: chr9-3266302-G-A.
Other names: c.1361C>T, p.Ala454Val (NM_001377999.1, NM_002919.4, NM_134428.3); short protein forms A454V.
Identifiers: ClinVar variation 4085629 (VCV004085629.8).
Genomic context (GRCh38, chr9:3,266,302, plus strand): 5'-ATGGCATTGGAAAGCCAACCTTCAAGGCTTTTTGCAAAATTTCGAATGGCTTGGGTCAAG[G>A]CACCTAAACATTAAAGAATAAAAGCAGGATAAAAAAAAGTATGAAAGAATATTAATGTTT-3'
Protein context (NP_001269045.1, residues 444-464): IPDVLRPIPS[Ala454Val]LTQAIRNFAK